The following is an entry in ClinVar:

NM_006231.4(POLE):c.6423G>C (p.Glu2141Asp)

Gene: POLE (DNA polymerase epsilon, catalytic subunit; minus strand). Cytogenetic location: 12q24.33.
Variant type: single nucleotide variant.
Coding change: c.6423G>C on transcript NM_006231.4 (MANE Select); coding-DNA position 6423, G replaced by C.
Protein change: p.Glu2141Asp; replaces glutamic acid 2141 with aspartic acid.
Molecular consequence: missense variant.
Genome position (GRCh38, 1-based): chr12:132,626,225, C>G on the plus strand (G>C on the coding strand, the complement: POLE is on the minus strand). VCF-style: chr12-132626225-C-G. GRCh37 (hg19) VCF-style: chr12-133202811-C-G.
Other names: short protein forms E2141D.
Identifiers: ClinVar variation 1753444 (VCV001753444.3), dbSNP rs1158336340, ClinGen allele CA387367609.

ClinVar aggregate classification (germline): Uncertain significance (1 of 4 stars; one submission).

Conditions:
Hereditary cancer-predisposing syndrome. Also called: Neoplastic Syndromes, Hereditary; Tumor predisposition; Hereditary Cancer Syndrome; Hereditary neoplastic syndrome. Identifiers: Orphanet 140162, MedGen C0027672, MeSH D009386, MONDO:0015356.

Submission:

Ambry Genetics
Classification: Uncertain significance for Hereditary cancer-predisposing syndrome. Last evaluated: 2022-10-31. Review status: criteria provided, single submitter. Criteria: Ambry Variant Classification Scheme 2023. Collection method: clinical testing. Allele origin: germline.
Comment: The p.E2141D variant (also known as c.6423G>C), located in coding exon 46 of the POLE gene, results from a G to C substitution at nucleotide position 6423. The glutamic acid at codon 2141 is replaced by aspartic acid, an amino acid with highly similar properties. This amino acid position is conserved. In addition, this alteration is predicted to be tolerated by in silico analysis. Since supporting evidence is limited at this time, the clinical significance of this alteration remains unclear.